The following is an entry in ClinVar:

NM_144508.5(KNL1):c.744G>A (p.Pro248=)

Gene: KNL1 (kinetochore scaffold 1; plus strand). Cytogenetic location: 15q15.1.
Variant type: single nucleotide variant.
Coding change: c.744G>A on transcript NM_144508.5 (MANE Select); coding-DNA position 744, G replaced by A.
Protein change: p.Pro248=; no amino-acid change (proline 248 retained).
Molecular consequence: synonymous variant.
Genome position (GRCh38, 1-based): chr15:40,621,008, G>A. VCF-style: chr15-40621008-G-A. GRCh37 (hg19) VCF-style: chr15-40913206-G-A.
Other names: c.822G>A, p.Pro274= (NM_170589.5).
Identifiers: ClinVar variation 884556 (VCV000884556.28), dbSNP rs565734208, ClinGen allele CA7482563.

ClinVar aggregate classification (germline): Conflicting classifications of pathogenicity. Review status: criteria provided, conflicting classifications (1 of 4 stars). 2 submissions from 2 submitters: Uncertain significance (1); Likely benign (1). Last evaluated 2023-08-01.

Conditions:
Microcephaly 4, primary, autosomal recessive. Identifiers: Orphanet 2512, MedGen C1858516, MONDO:0011437, OMIM 604321.

Allele frequency attached by ClinVar (database versions not stated): TOPMed below 0.00001; gnomAD 0.00001; gnomAD exomes 0.00001 and 0.00002; ExAC 0.00002; 1000 Genomes Project 30x 0.00016; 1000 Genomes Project 0.00020.
gnomAD v4.1: 32 of 1,605,850 alleles (0.002%); highest among the groups gnomAD compares: Admixed American, 0.0052%; no homozygotes.

Submissions (2):

CeGaT Center for Human Genetics Tuebingen
Classification: Likely benign. Last evaluated: 2023-08-01. Review status: criteria provided, single submitter. Criteria: CeGaT Center For Human Genetics Tuebingen Variant Classification Criteria Version 2. Collection method: clinical testing. Allele origin: germline. Affected: yes. Observed: 1 variant allele.
Comment: KNL1: BP4, BP7

Illumina Laboratory Services, Illumina
Classification: Uncertain significance for Microcephaly 4, primary, autosomal recessive. Last evaluated: 2018-01-13. Review status: criteria provided, single submitter. Criteria: ICSL Variant Classification Criteria 13 December 2019. Collection method: clinical testing. Allele origin: germline.